The following is an entry in ClinVar:

ClinVar aggregate classification (germline): Likely benign. Review status: criteria provided, multiple submitters, no conflicts (2 of 4 stars). 2 submissions from 2 submitters: Likely benign (2). Last evaluated 2026-01-02.

Allele frequency attached by ClinVar (database versions not stated): gnomAD 0.00001; TOPMed 0.00001; ExAC 0.00002; gnomAD exomes 0.00002 and 0.00003.
gnomAD v4.1: 45 of 1,613,720 alleles (0.0028%); highest among the groups gnomAD compares: Middle Eastern, 0.049%; no homozygotes.

Submissions (2):

Labcorp Genetics (formerly Invitae), Labcorp
Classification: Likely benign. Last evaluated: 2026-01-02. Review status: criteria provided, single submitter. Criteria: Invitae Variant Classification Sherloc (09022015). Collection method: clinical testing. Allele origin: germline.

CeGaT Center for Human Genetics Tuebingen
Classification: Likely benign. Last evaluated: 2024-11-01. Review status: criteria provided, single submitter. Criteria: CeGaT Center For Human Genetics Tuebingen Variant Classification Criteria Version 2. Collection method: clinical testing. Allele origin: germline. Affected: yes. Observed: 1 variant allele.
Comment: C3: BP4, BP7

NM_000064.4(C3):c.963G>A (p.Gly321=)

Gene: C3 (complement C3; minus strand). Cytogenetic location: 19p13.3.
Variant type: single nucleotide variant.
Coding change: c.963G>A on transcript NM_000064.4 (MANE Select); coding-DNA position 963, G replaced by A.
Protein change: p.Gly321=; no amino-acid change (glycine 321 retained).
Molecular consequence: synonymous variant.
Genome position (GRCh38, 1-based): chr19:6,713,229, C>T on the plus strand (G>A on the coding strand, the complement: C3 is on the minus strand). VCF-style: chr19-6713229-C-T. GRCh37 (hg19) VCF-style: chr19-6713240-C-T.
Identifiers: ClinVar variation 1582157 (VCV001582157.23), dbSNP rs768273081, ClinGen allele CA9129614.
Genomic context (GRCh38, chr19:6,713,229, plus strand): 5'-GCCTTCAGACTGGGCCTCACCTGAGTGCAAGATGACGGTGGCAGACACGTACAAAGACTT[C>T]CCCACCAGGTCTTCTGCTCGGGGGTTCTGCACCCCGTCCAGCAGTACCTTCCGGCTCAGC-3'
Protein context (NP_000055.2, residues 311-331): VQNPRAEDLV[Gly321=]KSLYVSATVI